The following is an entry in ClinVar:

NM_000238.4(KCNH2):c.663C>A (p.His221Gln)

Gene: KCNH2 (potassium voltage-gated channel subfamily H member 2; minus strand). Cytogenetic location: 7q36.1.
Variant type: single nucleotide variant.
Coding change: c.663C>A on transcript NM_000238.4 (MANE Select); coding-DNA position 663, C replaced by A.
Protein change: p.His221Gln; replaces histidine 221 with glutamine.
Molecular consequence: missense variant.
Genome position (GRCh38, 1-based): chr7:150,958,312, G>T on the plus strand (C>A on the coding strand, the complement: KCNH2 is on the minus strand). VCF-style: chr7-150958312-G-T. GRCh37 (hg19) VCF-style: chr7-150655400-G-T.
Other names: c.375C>A, p.His125Gln (NM_001406753.1, NM_001406756.1); c.486C>A, p.His162Gln (NM_001406755.1); c.363C>A, p.His121Gln (NM_001406757.1); c.663C>A, p.His221Gln (NM_172056.3); short protein forms H121Q, H162Q, H125Q, H221Q.
Identifiers: ClinVar variation 1754613 (VCV001754613.5), dbSNP rs752896394, ClinGen allele CA040187.

ClinVar aggregate classification (germline): Uncertain significance. Review status: criteria provided, multiple submitters, no conflicts (2 of 4 stars). 2 submissions from 2 submitters: Uncertain significance (2). Last evaluated 2024-02-26.

Conditions:
Cardiovascular phenotype. Identifiers: MedGen CN230736.
Long QT syndrome (LQTS). Identifiers: MedGen C0023976, MeSH D008133, MONDO:0002442. Disease mechanism: loss of function. Inheritance: Various modes of inheritance.

Allele frequency attached by ClinVar (database versions not stated): gnomAD 0.00003; TOPMed 0.00003.

Submissions (2):

Labcorp Genetics (formerly Invitae), Labcorp
Classification: Uncertain significance for Long QT syndrome. Last evaluated: 2024-02-26. Review status: criteria provided, single submitter. Criteria: Invitae Variant Classification Sherloc (09022015). Collection method: clinical testing. Allele origin: germline.
Comment: This sequence change replaces histidine, which is basic and polar, with glutamine, which is neutral and polar, at codon 221 of the KCNH2 protein (p.His221Gln). The frequency data for this variant in the population databases is considered unreliable, as metrics indicate poor data quality at this position in the gnomAD database. This missense change has been observed in individual(s) with sudden unexplained death (PMID: 24631775). ClinVar contains an entry for this variant (Variation ID: 1754613). An algorithm developed to predict the effect of missense changes on protein structure and function (PolyPhen-2) suggests that this variant is likely to be tolerated. In summary, the available evidence is currently insufficient to determine the role of this variant in disease. Therefore, it has been classified as a Variant of Uncertain Significance.

Ambry Genetics
Classification: Uncertain significance for Cardiovascular phenotype. Last evaluated: 2022-04-25. Review status: criteria provided, single submitter. Criteria: Ambry Variant Classification Scheme 2023. Collection method: clinical testing. Allele origin: germline.
Comment: The p.H221Q variant (also known as c.663C>A), located in coding exon 4 of the KCNH2 gene, results from a C to A substitution at nucleotide position 663. The histidine at codon 221 is replaced by glutamine, an amino acid with highly similar properties. This alteration has been reported in a sudden unexplained death cohort (Wang D et al. Forensic Sci Int, 2014 Apr;237:90-9). This amino acid position is well conserved in available vertebrate species. In addition, the in silico prediction for this alteration is inconclusive. Since supporting evidence is limited at this time, the clinical significance of this alteration remains unclear.

Literature cited by the submitters: PubMed 24631775 (cited by Labcorp Genetics (formerly Invitae), Labcorp and Ambry Genetics); PubMed 29247119 (cited by Ambry Genetics).